The following is an entry in ClinVar:

NM_000285.4(PEPD):c.1323G>C (p.Gln441His)

Gene: PEPD (peptidase D; minus strand). Cytogenetic location: 19q13.11.
Variant type: single nucleotide variant.
Coding change: c.1323G>C on transcript NM_000285.4 (MANE Select); coding-DNA position 1323, G replaced by C.
Protein change: p.Gln441His; replaces glutamine 441 with histidine.
Molecular consequence: missense variant.
Genome position (GRCh38, 1-based): chr19:33,387,911, C>G on the plus strand (G>C on the coding strand, the complement: PEPD is on the minus strand). VCF-style: chr19-33387911-C-G. GRCh37 (hg19) VCF-style: chr19-33878817-C-G.
Other names: c.1200G>C, p.Gln400His (NM_001166056.2); c.1131G>C, p.Gln377His (NM_001166057.2); short protein forms Q441H, Q377H, Q400H.
Identifiers: ClinVar variation 1445002 (VCV001445002.6), dbSNP rs2145320712, ClinGen allele CA405220162.

ClinVar aggregate classification (germline): Uncertain significance (1 of 4 stars; one submission).

Allele frequency attached by ClinVar (database versions not stated): gnomAD exomes below 0.00001.
gnomAD v4.1: 1 of 1,582,772 alleles (0.000063%); highest among the groups gnomAD compares: Non-Finnish European, 0.000086%; no homozygotes.

Submission:

Labcorp Genetics (formerly Invitae), Labcorp
Classification: Uncertain significance. Last evaluated: 2021-11-14. Review status: criteria provided, single submitter. Criteria: Invitae Variant Classification Sherloc (09022015). Collection method: clinical testing. Allele origin: germline.
Comment: This variant is not present in population databases (gnomAD no frequency). This sequence change replaces glutamine, which is neutral and polar, with histidine, which is basic and polar, at codon 441 of the PEPD protein (p.Gln441His). This variant has not been reported in the literature in individuals affected with PEPD-related conditions. In summary, the available evidence is currently insufficient to determine the role of this variant in disease. Therefore, it has been classified as a Variant of Uncertain Significance. Algorithms developed to predict the effect of missense changes on protein structure and function (SIFT, PolyPhen-2, Align-GVGD) all suggest that this variant is likely to be tolerated.